The following is an entry in ClinVar:

ClinVar aggregate classification (germline): Conflicting classifications of pathogenicity. Review status: criteria provided, conflicting classifications (1 of 4 stars). 4 submissions from 3 submitters: Uncertain significance (1); Benign (1); Likely benign (2). Last evaluated 2024-08-25.

Conditions:
Tangier disease (TGD). Also called: HIGH DENSITY LIPOPROTEIN DEFICIENCY, TANGIER TYPE; HIGH DENSITY LIPOPROTEIN DEFICIENCY, TYPE 1; Cholesterol thesaurismosis. Identifiers: Orphanet 31150, MedGen C0039292, MONDO:0008783, OMIM 205400.
Hypoalphalipoproteinemia, primary, 1. Identifiers: Orphanet 425, MedGen C5231558, MONDO:0011393, OMIM 604091.
Cardiovascular phenotype. Identifiers: MedGen CN230736.

Allele frequency attached by ClinVar (database versions not stated): gnomAD 0.00001 and 0.00006; TOPMed 0.00001; gnomAD exomes 0.00008 and 0.00019; ExAC 0.00024; 1000 Genomes Project 30x 0.00062; 1000 Genomes Project 0.00080.
gnomAD v4.1: 140 of 1,614,158 alleles (0.0087%); highest among the groups gnomAD compares: South Asian, 0.13%; no homozygotes.

Submissions (4):

Ambry Genetics
Classification: Likely benign for Cardiovascular phenotype. Last evaluated: 2024-08-25. Review status: criteria provided, single submitter. Criteria: Ambry Variant Classification Scheme 2023. Collection method: clinical testing. Allele origin: germline.

Labcorp Genetics (formerly Invitae), Labcorp
Classification: Likely benign. Last evaluated: 2020-11-11. Review status: criteria provided, single submitter. Criteria: Invitae Variant Classification Sherloc (09022015). Collection method: clinical testing. Allele origin: germline.

Illumina Laboratory Services, Illumina
Classification: Uncertain significance for Tangier disease. Last evaluated: 2018-01-12. Review status: criteria provided, single submitter. Criteria: ICSL Variant Classification Criteria 13 December 2019. Collection method: clinical testing. Allele origin: germline.

Illumina Laboratory Services, Illumina
Classification: Benign for Hypoalphalipoproteinemia, primary, 1. Last evaluated: 2018-01-12. Review status: criteria provided, single submitter. Criteria: ICSL Variant Classification Criteria 13 December 2019. Collection method: clinical testing. Allele origin: germline.
Comment: This variant was observed in the ICSL laboratory as part of a predisposition screen in an ostensibly healthy population. It had not been previously curated by ICSL or reported in the Human Gene Mutation Database (HGMD: prior to June 1st, 2018), and was therefore a candidate for classification through an automated scoring system. Utilizing variant allele frequency, disease prevalence and penetrance estimates, and inheritance mode, an automated score was calculated to assess if this variant is too frequent to cause the disease. Based on the score and internal cut-off values, a variant classified as benign is not then subjected to further curation. The score for this variant resulted in a classification of benign for this disease.

NM_005502.4(ABCA1):c.3726G>A (p.Thr1242=)

Gene: ABCA1 (ATP binding cassette subfamily A member 1; minus strand). Cytogenetic location: 9q31.1.
Variant type: single nucleotide variant.
Coding change: c.3726G>A on transcript NM_005502.4 (MANE Select); coding-DNA position 3726, G replaced by A.
Protein change: p.Thr1242=; no amino-acid change (threonine 1242 retained).
Molecular consequence: synonymous variant.
Genome position (GRCh38, 1-based): chr9:104,816,155, C>T on the plus strand (G>A on the coding strand, the complement: ABCA1 is on the minus strand). VCF-style: chr9-104816155-C-T. GRCh37 (hg19) VCF-style: chr9-107578436-C-T.
Identifiers: ClinVar variation 364411 (VCV000364411.13), dbSNP rs548468204, ClinGen allele CA5168362.